The following is an entry in ClinVar:

ClinVar aggregate classification (germline): Pathogenic (1 of 4 stars; one submission).

Conditions:
Marfan syndrome (MFS). Also called: MARFAN SYNDROME, TYPE I; FBN1-Related Marfan Syndrome; Marfan syndrome type 1; Marfan's syndrome; Marfan syndrome, classic. Identifiers: Orphanet 284963, Orphanet 558, MedGen C0024796, MONDO:0007947, OMIM 154700.
Familial thoracic aortic aneurysm and aortic dissection (TAAD). Also called: Thoracic aortic aneurysms and dissections. Identifiers: Orphanet 91387, MedGen C4707243, MONDO:0019625.

Submission:

Labcorp Genetics (formerly Invitae), Labcorp
Classification: Pathogenic for Marfan syndrome; Familial thoracic aortic aneurysm and aortic dissection. Last evaluated: 2017-01-30. Review status: criteria provided, single submitter. Criteria: Invitae Variant Classification Sherloc (09022015). Collection method: clinical testing. Allele origin: germline.
Comment: For these reasons, this variant has been classified as Pathogenic. While this particular variant has not been reported in the literature, loss-of-function variants in FBN1 are known to be pathogenic (PMID: 17657824, 19293843). This sequence change deletes 1 nucleotide from exon 37 of the FBN1 mRNA (c.4555delC), causing a frameshift at codon 1519. This creates a premature translational stop signal (p.Leu1519*) and is expected to result in an absent or disrupted protein product.

Literature cited by the submitters: PubMed 17657824; PubMed 19293843.

NM_000138.5(FBN1):c.4555del (p.Glu1518_Leu1519insTer)

Gene: FBN1 (fibrillin 1; minus strand). Cytogenetic location: 15q21.1.
Variant type: Deletion.
Coding change: c.4555del on transcript NM_000138.5 (MANE Select); coding-DNA position 4555, one base deleted (C; older notation c.4555delC).
Protein change: p.Glu1518_Leu1519insTer.
Molecular consequence: nonsense.
Genome position (GRCh38, 1-based): chr15:48,468,439, G deleted on the plus strand (C on the coding strand, the reverse complement: FBN1 is on the minus strand). VCF-style (leftmost placement, unchanged base first): chr15-48468438-AG-A. GRCh37 (hg19) VCF-style: chr15-48760635-AG-A.
Other names: c.4555delC (NM_000138.4).
Identifiers: ClinVar variation 457216 (VCV000457216.6), dbSNP rs1555397199, ClinGen allele CA658656482.